The following is an entry in ClinVar:

NM_001735.3(C5):c.938A>G (p.Tyr313Cys)

Gene: C5 (complement C5; minus strand). Cytogenetic location: 9q33.2.
Variant type: single nucleotide variant.
Coding change: c.938A>G on transcript NM_001735.3 (MANE Select); coding-DNA position 938, A replaced by G.
Protein change: p.Tyr313Cys; replaces tyrosine 313 with cysteine.
Molecular consequence: missense variant.
Genome position (GRCh38, 1-based): chr9:121,025,516, T>C on the plus strand (A>G on the coding strand, the complement: C5 is on the minus strand). VCF-style: chr9-121025516-T-C. GRCh37 (hg19) VCF-style: chr9-123787794-T-C.
Other names: c.956A>G, p.Tyr319Cys (NM_001317163.2); c.938A>G, p.Tyr313Cys (NM_001317164.2); short protein forms Y313C, Y319C.
Identifiers: ClinVar variation 1978543 (VCV001978543.5), dbSNP rs1564157537, ClinGen allele CA374755226.

ClinVar aggregate classification (germline): Uncertain significance. Review status: criteria provided, multiple submitters, no conflicts (2 of 4 stars). 2 submissions from 2 submitters: Uncertain significance (2). Last evaluated 2025-08-30.

Allele frequency attached by ClinVar (database versions not stated): gnomAD exomes below 0.00001; TOPMed 0.00001.
gnomAD v4.1: 1 of 1,613,064 alleles (0.000062%); highest among the groups gnomAD compares: Admixed American, 0.0017%; no homozygotes.

Submissions (2):

Ambry Genetics
Classification: Uncertain significance. Last evaluated: 2025-08-30. Review status: criteria provided, single submitter. Criteria: Ambry Variant Classification Scheme 2023. Collection method: clinical testing. Allele origin: germline.

Labcorp Genetics (formerly Invitae), Labcorp
Classification: Uncertain significance. Last evaluated: 2022-02-20. Review status: criteria provided, single submitter. Criteria: Invitae Variant Classification Sherloc (09022015). Collection method: clinical testing. Allele origin: germline.
Comment: This sequence change replaces tyrosine, which is neutral and polar, with cysteine, which is neutral and slightly polar, at codon 313 of the C5 protein (p.Tyr313Cys). This variant is not present in population databases (gnomAD no frequency). In summary, the available evidence is currently insufficient to determine the role of this variant in disease. Therefore, it has been classified as a Variant of Uncertain Significance. Algorithms developed to predict the effect of missense changes on protein structure and function (SIFT, PolyPhen-2, Align-GVGD) all suggest that this variant is likely to be tolerated. This variant has not been reported in the literature in individuals affected with C5-related conditions.